The following is an entry in ClinVar:

ClinVar aggregate classification (germline): Conflicting classifications of pathogenicity. Review status: criteria provided, conflicting classifications (1 of 4 stars). 2 submissions from 2 submitters: Uncertain significance (1); Likely benign (1). Last evaluated 2026-01-18.

Allele frequency attached by ClinVar (database versions not stated): TOPMed 0.00003; gnomAD 0.00004 and 0.00005; ExAC 0.00006; gnomAD exomes 0.00006; ESP Exome Variant Server 0.00019; 1000 Genomes Project 30x 0.00021; 1000 Genomes Project 0.00026.
gnomAD v4.1: 66 of 1,209,085 alleles (0.0055%); highest among the groups gnomAD compares: South Asian, 0.007%; no homozygotes.

Submissions (2):

Labcorp Genetics (formerly Invitae), Labcorp
Classification: Uncertain significance. Last evaluated: 2026-01-18. Review status: criteria provided, single submitter. Criteria: Invitae Variant Classification Sherloc (09022015). Collection method: clinical testing. Allele origin: germline.
Comment: This sequence change replaces arginine, which is basic and polar, with cysteine, which is neutral and slightly polar, at codon 1961 of the CACNA1F protein (p.Arg1961Cys). This variant is present in population databases (rs369122296, gnomAD 0.01%). This variant has not been reported in the literature in individuals affected with CACNA1F-related conditions. ClinVar contains an entry for this variant (Variation ID: 848969). An algorithm developed to predict the effect of missense changes on protein structure and function (PolyPhen-2) suggests that this variant is likely to be tolerated. In summary, the available evidence is currently insufficient to determine the role of this variant in disease. Therefore, it has been classified as a Variant of Uncertain Significance.

Blueprint Genetics
Classification: Likely benign. Last evaluated: 2022-05-20. Review status: criteria provided, single submitter. Criteria: ACMG Guidelines, 2015. Collection method: clinical testing. Allele origin: germline.

NM_001256789.3(CACNA1F):c.5848C>T (p.Arg1950Cys)

Gene: CACNA1F (calcium voltage-gated channel subunit alpha1 F; minus strand). Cytogenetic location: Xp11.23.
Variant type: single nucleotide variant.
Coding change: c.5848C>T on transcript NM_001256789.3 (MANE Select); coding-DNA position 5848, C replaced by T.
Protein change: p.Arg1950Cys; replaces arginine 1950 with cysteine.
Molecular consequence: missense variant.
Genome position (GRCh38, 1-based): chrX:49,205,190, G>A on the plus strand (C>T on the coding strand, the complement: CACNA1F is on the minus strand). VCF-style: chrX-49205190-G-A. GRCh37 (hg19) VCF-style: chrX-49061650-G-A.
Other names: c.5686C>T, p.Arg1896Cys (NM_001256790.3); c.5881C>T, p.Arg1961Cys (NM_005183.4); short protein forms R1896C, R1961C, R1950C.
Identifiers: ClinVar variation 848969 (VCV000848969.12), dbSNP rs369122296, ClinGen allele CA10409889.